The following is an entry in ClinVar:

ClinVar aggregate classification (germline): Likely benign (1 of 4 stars; one submission).

Conditions:
SF3B1-related disorder. Also called: SF3B1-related condition.

gnomAD v4.1: 1 of 1,613,752 alleles (0.000062%); highest among the groups gnomAD compares: Middle Eastern, 0.017%; no homozygotes.

Submission:

PreventionGenetics, part of Exact Sciences
Classification: Likely benign for SF3B1-related condition. Last evaluated: 2025-10-29. Review status: criteria provided, single submitter. Criteria: ACMG Guidelines, 2015. Collection method: clinical testing. Allele origin: germline.
Comment: This variant is classified as likely benign based on ACMG/AMP sequence variant interpretation guidelines (Richards et al. 2015 PMID: 25741868, with internal and published modifications).

NM_012433.4(SF3B1):c.3555A>G (p.Arg1185=)

Gene: SF3B1 (splicing factor 3b subunit 1; minus strand). Cytogenetic location: 2q33.1.
Variant type: single nucleotide variant.
Coding change: c.3555A>G on transcript NM_012433.4 (MANE Select); coding-DNA position 3555, A replaced by G.
Protein change: p.Arg1185=; no amino-acid change (arginine 1185 retained).
Molecular consequence: synonymous variant.
Genome position (GRCh38, 1-based): chr2:197,393,173, T>C on the plus strand (A>G on the coding strand, the complement: SF3B1 is on the minus strand). VCF-style: chr2-197393173-T-C. GRCh37 (hg19) VCF-style: chr2-198257897-T-C.
Identifiers: ClinVar variation 4980516 (VCV004980516.1).